The following is an entry in ClinVar:

NM_000719.7(CACNA1C):c.4534A>G (p.Ile1512Val)

Gene: CACNA1C (calcium voltage-gated channel subunit alpha1 C; plus strand). Cytogenetic location: 12p13.33.
Variant type: single nucleotide variant.
Coding change: c.4534A>G on transcript NM_000719.7 (MANE Select); coding-DNA position 4534, A replaced by G.
Protein change: p.Ile1512Val; replaces isoleucine 1512 with valine.
Molecular consequence: missense variant.
Genome position (GRCh38, 1-based): chr12:2,666,693, A>G. VCF-style: chr12-2666693-A-G. GRCh37 (hg19) VCF-style: chr12-2775859-A-G.
Other names: c.4678A>G, p.Ile1560Val (NM_001129827.2, NM_199460.4); c.4600A>G, p.Ile1534Val (NM_001129829.2); c.4534A>G, p.Ile1512Val (NM_001129830.3, NM_001129833.2, NM_001129834.2 and 7 more transcripts); c.4618A>G, p.Ile1540Val (NM_001129831.2); c.4594A>G, p.Ile1532Val (NM_001129832.2); c.4585A>G, p.Ile1529Val (NM_001129836.2); c.4501A>G, p.Ile1501Val (NM_001129837.2, NM_001129838.2, NM_001129846.2 and 1 more transcripts); c.4495A>G, p.Ile1499Val (NM_001129839.2); and 1 more; short protein forms I1499V, I1501V, I1512V, I1529V, I1509V, I1534V, I1560V, I1532V.
Identifiers: ClinVar variation 4745786 (VCV004745786.1).

ClinVar aggregate classification (germline): Uncertain significance (1 of 4 stars; one submission).

Conditions:
Long QT syndrome (LQTS). Identifiers: MedGen C0023976, MeSH D008133, MONDO:0002442. Disease mechanism: loss of function. Inheritance: Various modes of inheritance.

Submission:

Labcorp Genetics (formerly Invitae), Labcorp
Classification: Uncertain significance for Long QT syndrome. Last evaluated: 2025-05-13. Review status: criteria provided, single submitter. Criteria: Invitae Variant Classification Sherloc (09022015). Collection method: clinical testing. Allele origin: germline.
Comment: This sequence change replaces isoleucine, which is neutral and non-polar, with valine, which is neutral and non-polar, at codon 1512 of the CACNA1C protein (p.Ile1512Val). This variant is not present in population databases (gnomAD no frequency). This variant has not been reported in the literature in individuals affected with CACNA1C-related conditions. Invitae Evidence Modeling of protein sequence and biophysical properties (such as structural, functional, and spatial information, amino acid conservation, physicochemical variation, residue mobility, and thermodynamic stability) has been performed for this missense variant. However, the output from this modeling did not meet the statistical confidence thresholds required to predict the impact of this variant on CACNA1C protein function. In summary, the available evidence is currently insufficient to determine the role of this variant in disease. Therefore, it has been classified as a Variant of Uncertain Significance.